The following is an entry in ClinVar:

ClinVar aggregate classification (germline): Conflicting classifications of pathogenicity. Review status: criteria provided, conflicting classifications (1 of 4 stars). 3 submissions from 3 submitters: Uncertain significance (1); Likely benign (2). Last evaluated 2023-06-28.

Conditions:
Hereditary cancer-predisposing syndrome. Also called: Neoplastic Syndromes, Hereditary; Tumor predisposition; Hereditary Cancer Syndrome; Hereditary neoplastic syndrome. Identifiers: Orphanet 140162, MedGen C0027672, MeSH D009386, MONDO:0015356.
Hereditary breast ovarian cancer syndrome. Also called: Breast and ovarian cancer; Hereditary breast and ovarian cancer; Hereditary breast and/or ovarian cancer syndrome; BRCA1- and BRCA2-Associated Hereditary Breast and Ovarian Cancer; Hereditary breast and ovarian cancer syndrome; Hereditary breast and ovarian cancer syndrome (HBOC). Identifiers: Orphanet 145, MedGen C0677776, MeSH D061325, MONDO:0003582. Disease mechanism: loss of function.

Allele frequency attached by ClinVar (database versions not stated): gnomAD exomes below 0.00001.
gnomAD v4.1: 2 of 1,589,214 alleles (0.00013%); highest among the groups gnomAD compares: South Asian, 0.0022%; no homozygotes.

Submissions (3):

Labcorp Genetics (formerly Invitae), Labcorp
Classification: Likely benign for Hereditary breast ovarian cancer syndrome. Last evaluated: 2023-06-28. Review status: criteria provided, single submitter. Criteria: Invitae Variant Classification Sherloc (09022015). Collection method: clinical testing. Allele origin: germline.

Color Diagnostics, LLC DBA Color Health
Classification: Uncertain significance for Hereditary cancer-predisposing syndrome. Last evaluated: 2020-02-18. Review status: criteria provided, single submitter. Criteria: ACMG Guidelines, 2015. Collection method: clinical testing. Allele origin: germline.
Comment: This variant causes an A>G nucleotide substitution at the -15 position of intron 12 of the BRCA2 gene. To our knowledge, functional studies have not been performed for this variant. This variant has not been reported in individuals affected with hereditary cancer in the literature. This variant has been identified in 1/244154 chromosomes in the general population by the Genome Aggregation Database (gnomAD). The available evidence is insufficient to determine the role of this variant in disease conclusively. Therefore, this variant is classified as a Variant of Uncertain Significance.

Ambry Genetics
Classification: Likely benign for Hereditary cancer-predisposing syndrome. Last evaluated: 2013-08-23. Review status: criteria provided, single submitter. Criteria: Ambry Autosomal Dominant and X-Linked criteria (10/2015). Collection method: clinical testing. Allele origin: germline. Observed: 1 variant allele.

NM_000059.4(BRCA2):c.6938-15A>G

Gene: BRCA2 (BRCA2 DNA repair associated; plus strand). Cytogenetic location: 13q13.1.
Variant type: single nucleotide variant.
Coding change: c.6938-15A>G on transcript NM_000059.4 (MANE Select); 15 bases into the intron before coding-DNA position 6938, A replaced by G.
Molecular consequence: intron variant.
Genome position (GRCh38, 1-based): chr13:32,346,812, A>G. VCF-style: chr13-32346812-A-G. GRCh37 (hg19) VCF-style: chr13-32920949-A-G.
Identifiers: ClinVar variation 142282 (VCV000142282.14), dbSNP rs587782358, ClinGen allele CA024588.